The following is an entry in ClinVar:

NC_000010.10:g.(?_55973686)_(55973818_?)del

Gene: PCDH15 (protocadherin related 15; minus strand). Cytogenetic location: 10q21.1.
Variant type: Deletion.
Identifiers: ClinVar variation 1459419 (VCV001459419.6).

ClinVar aggregate classification (germline): Pathogenic (1 of 4 stars; one submission).

Submission:

Labcorp Genetics (formerly Invitae), Labcorp
Classification: Pathogenic. Last evaluated: 2022-05-31. Review status: criteria provided, single submitter. Criteria: Invitae Variant Classification Sherloc (09022015). Collection method: clinical testing. Allele origin: germline.
Comment: This variant is a gross deletion of the genomic region encompassing exon(s) 10 of the PCDH15 gene. This deletion is out-of-frame, and is expected to create a premature termination codon and result in an absent or disrupted protein product. Loss-of-function variants in PCDH15 are known to be pathogenic (PMID: 11398101, 11487575, 14570705). A similar copy number variant has been observed in individual(s) with Usher syndrome (PMID: 22135276). For these reasons, this variant has been classified as Pathogenic.

Literature cited by the submitters: PubMed 11398101; PubMed 11487575; PubMed 14570705; PubMed 22135276.